The following is an entry in ClinVar:

ClinVar aggregate classification (germline): Uncertain significance (1 of 4 stars; one submission).

Conditions:
Inborn genetic diseases. Identifiers: MedGen C0950123, MeSH D030342.

Submission:

Ambry Genetics
Classification: Uncertain significance for Inborn genetic diseases. Last evaluated: 2023-06-04. Review status: criteria provided, single submitter. Criteria: Ambry Variant Classification Scheme 2023. Collection method: clinical testing. Allele origin: germline.
Comment: The p.M288I variant (also known as c.864G>A), located in coding exon 4 of the PIK3CA gene, results from a G to A substitution at nucleotide position 864. The methionine at codon 288 is replaced by isoleucine, an amino acid with highly similar properties. This amino acid position is conserved. In addition, this alteration is predicted to be tolerated by in silico analysis. Since supporting evidence is limited at this time, the clinical significance of this alteration remains unclear.

NM_006218.4(PIK3CA):c.864G>A (p.Met288Ile)

Gene: PIK3CA (phosphatidylinositol-4,5-bisphosphate 3-kinase catalytic subunit alpha; plus strand). Cytogenetic location: 3q26.32.
Variant type: single nucleotide variant.
Coding change: c.864G>A on transcript NM_006218.4 (MANE Select); coding-DNA position 864, G replaced by A.
Protein change: p.Met288Ile; replaces methionine 288 with isoleucine.
Molecular consequence: missense variant.
Genome position (GRCh38, 1-based): chr3:179,203,594, G>A. VCF-style: chr3-179203594-G-A. GRCh37 (hg19) VCF-style: chr3-178921382-G-A.
Other names: short protein forms M288I.
Identifiers: ClinVar variation 2567738 (VCV002567738.2), dbSNP rs2108392670, ClinGen allele CA355279941.